The following continues an entry in ClinVar:

NM_000059.4(BRCA2):c.7090G>A (p.Glu2364Lys)

Gene: BRCA2. ClinVar aggregate classification (germline): Conflicting classifications of pathogenicity. Uncertain significance (10); Likely benign (1).

Submissions 9 to 14 of 14:

Women's Health and Genetics/Laboratory Corporation of America, LabCorp
Classification: Uncertain significance. Last evaluated: 2022-10-24. Review status: criteria provided, single submitter. Criteria: LabCorp Variant Classification Summary - May 2015. Collection method: clinical testing. Allele origin: germline.
Comment: Variant summary: BRCA2 c.7090G>A (p.Glu2364Lys) results in a conservative amino acid change in the encoded protein sequence. Four of four in-silico tools predict a benign effect of the variant on protein function. The variant allele was found at a frequency of 4e-06 in 251006 control chromosomes. The available data on variant occurrences in the general population are insufficient to allow any conclusion about variant significance. c.7090G>A has been reported in the literature in individuals affected with Hereditary Breast And Ovarian Cancer Syndrome without strong evidence for causality (Hu_2016). This report does not provide unequivocal conclusions about association of the variant with Hereditary Breast And Ovarian Cancer Syndrome. It has also been reported in Flossies in one European American individual. To our knowledge, no experimental evidence demonstrating an impact on protein function has been reported. Five clinical diagnostic laboratories have submitted clinical-significance assessments for this variant to ClinVar after 2014 without evidence for independent evaluation. All laboratories classified the variant as uncertain significance. Based on the evidence outlined above, the variant was classified as uncertain significance.

Sema4
Classification: Uncertain significance for Hereditary cancer-predisposing syndrome. Last evaluated: 2021-12-15. Review status: criteria provided, single submitter. Criteria: Sema4 Curation Guidelines. Collection method: curation. Allele origin: germline.
Comment: The BRCA2 c.7090G>A (p.E2364K) variant has been reported in a breast cancer case-control analysis in 1/60,466 cases and in 1/53,461 controls (PMID: 33471991). It was observed in 1/113532 chromosomes of the Non-Finnish European subpopulation in the large and broad cohorts of the Genome Aggregation Database (PMID: 32461654). The variant has been reported in ClinVar (Variation ID 52266). Functional studies have not been performed, and in silico predictions of the variant's effect on protein function are inconclusive. The evidence is insufficient to meet ACMG/AMP criteria for classifying the variant as benign or pathogenic. Thus, the clinical significance of this variant is currently uncertain.

Quest Diagnostics Nichols Institute San Juan Capistrano
Classification: Uncertain significance. Last evaluated: 2020-01-03. Review status: criteria provided, single submitter. Criteria: Quest Diagnostics criteria. Collection method: clinical testing. Allele origin: unknown.

Breast Cancer Information Core (BIC) (BRCA2)
Classification: Uncertain significance for Breast-ovarian cancer, familial 2. Last evaluated: 2002-05-29. Review status: no assertion criteria provided. Collection method: clinical testing. Allele origin: germline. Affected: yes. Observed: 1 variant allele. Not counted in ClinVar's aggregate classification.

Clinical Genetics Laboratory, Department of Pathology, Netherlands Cancer Institute
Classification: Likely benign. Review status: no assertion criteria provided. Collection method: clinical testing. Allele origin: germline. Affected: yes. Study: VKGL Data-share Consensus. Not counted in ClinVar's aggregate classification.

Joint Genome Diagnostic Labs from Nijmegen and Maastricht, Radboudumc and MUMC+
Classification: Likely benign. Review status: no assertion criteria provided. Collection method: clinical testing. Allele origin: germline. Affected: yes. Study: VKGL Data-share Consensus. Not counted in ClinVar's aggregate classification.

Literature cited by the submitters: PubMed 26483394 (cited by 5 submitters); PubMed 25085752 (cited by Myriad Genetics, Inc.); PubMed 33471991 (cited by 3 submitters).